The following is an entry in ClinVar:

NM_002458.3(MUC5B):c.2493C>T (p.Cys831=)

Gene: MUC5B (mucin 5B, oligomeric mucus/gel-forming; plus strand). Cytogenetic location: 11p15.5.
Variant type: single nucleotide variant.
Coding change: c.2493C>T on transcript NM_002458.3 (MANE Select); coding-DNA position 2493, C replaced by T.
Protein change: p.Cys831=; no amino-acid change (cysteine 831 retained).
Molecular consequence: synonymous variant.
Genome position (GRCh38, 1-based): chr11:1,234,543, C>T. VCF-style: chr11-1234543-C-T. GRCh37 (hg19) VCF-style: chr11-1255773-C-T.
Identifiers: ClinVar variation 163998 (VCV000163998.7), dbSNP rs7116614, ClinGen allele CA176759.

ClinVar aggregate classification (germline): Benign. Review status: criteria provided, multiple submitters, no conflicts (2 of 4 stars). 3 submissions from 3 submitters: Benign (3). Last evaluated 2018-11-12.

Allele frequency attached by ClinVar (database versions not stated): ESP Exome Variant Server 0.25578; gnomAD 0.28851 and 0.29266; TOPMed 0.29468; ExAC 0.37979; 1000 Genomes Project 0.33946; gnomAD exomes 0.31120; 1000 Genomes Project 30x 0.33370.
gnomAD v4.1: 489,387 of 1,579,296 alleles (31%); highest among the groups gnomAD compares: East Asian, 59%; 78,307 homozygotes.

Submissions (3):

GeneDx
Classification: Benign. Last evaluated: 2018-11-12. Review status: criteria provided, single submitter. Criteria: GeneDx Variant Classification Process June 2021. Collection method: clinical testing. Allele origin: germline. Affected: yes.

Laboratory for Molecular Medicine, Mass General Brigham Personalized Medicine
Classification: Benign. Last evaluated: 2013-02-21. Review status: criteria provided, single submitter. Criteria: LMM Criteria. Collection method: clinical testing. Allele origin: germline. Observed: 61 variant alleles.
Comment: Cys831Cys in exon 21 of MUC5B: This variant is not expected to have clinical sig nificance because it does not alter an amino acid residue and is not located wit hin the splice consensus sequence. It has been identified in 28.9% (2440/8444) o f European American chromosomes from a broad population by the NHLBI Exome Seque ncing Project (dbSNP rs7116614).

Breakthrough Genomics
Classification: Benign. Review status: criteria provided, single submitter. Criteria: ACMG Guidelines, 2015. Collection method: not provided. Allele origin: germline. Inheritance: Autosomal dominant inheritance. Affected: yes.